The following is an entry in ClinVar:

ClinVar aggregate classification (germline): Conflicting classifications of pathogenicity. Review status: criteria provided, conflicting classifications (1 of 4 stars). 4 submissions from 4 submitters: Uncertain significance (3); Likely benign (1). Last evaluated 2026-05-18.

Conditions:
Ullrich congenital muscular dystrophy 2 (UCMD2). Identifiers: Orphanet 75840, MedGen C4225314, MONDO:0014654, OMIM 616470.
Bethlem myopathy 2 (BTHLM2). Identifiers: Orphanet 536516, Orphanet 610, MedGen C4225313, MONDO:0034022, OMIM 616471.

Allele frequency attached by ClinVar (database versions not stated): ESP Exome Variant Server 0.00016; gnomAD 0.00017 and 0.00016; 1000 Genomes Project 30x 0.00047; gnomAD exomes 0.00007 and 0.00006; ExAC 0.00011; 1000 Genomes Project 0.00040; TOPMed 0.00019.
gnomAD v4.1: 117 of 1,613,822 alleles (0.0072%); highest among the groups gnomAD compares: African/African-American, 0.031%; no homozygotes.

Submissions (4):

Women's Health and Genetics/Laboratory Corporation of America, LabCorp
Classification: Uncertain significance. Last evaluated: 2026-05-18. Review status: criteria provided, single submitter. Criteria: LabCorp Variant Classification Summary - May 2015. Collection method: clinical testing. Allele origin: germline.
Comment: Variant summary: COL12A1 c.2006C>T (p.Ala669Val) results in a non-conservative amino acid change in the encoded protein sequence. Algorithms developed to predict the effect of missense changes on protein structure and function are either unavailable or do not agree on the potential impact of this missense change. The variant allele was found at a frequency of 6.8e-05 in 249274 control chromosomes. This frequency is not significantly higher than estimated for disease-causing variants in COL12A1, allowing no conclusion about variant significance. To our knowledge, no occurrence of c.2006C>T in individuals affected with COL12A1-related conditions and no experimental evidence demonstrating its impact on protein function have been reported. ClinVar contains an entry for this variant (Variation ID: 542492). Based on the evidence outlined above, the variant was classified as uncertain significance.

Labcorp Genetics (formerly Invitae), Labcorp
Classification: Likely benign for Bethlem myopathy 2; Ullrich congenital muscular dystrophy 2. Last evaluated: 2025-08-06. Review status: criteria provided, single submitter. Criteria: Invitae Variant Classification Sherloc (09022015). Collection method: clinical testing. Allele origin: germline.

Mayo Clinic Laboratories, Mayo Clinic
Classification: Uncertain significance. Last evaluated: 2024-03-05. Review status: criteria provided, single submitter. Criteria: ACMG Guidelines, 2015. Collection method: clinical testing. Allele origin: germline. Observed: 1 variant allele.
Comment: BP4

GeneDx
Classification: Uncertain significance. Last evaluated: 2021-03-03. Review status: criteria provided, single submitter. Criteria: GeneDx Variant Classification Process June 2021. Collection method: clinical testing. Allele origin: germline. Affected: yes.
Comment: Has not been previously published as pathogenic or benign to our knowledge; In silico analysis, which includes protein predictors and evolutionary conservation, supports that this variant does not alter protein structure/function; Reported in ClinVar as a variant of uncertain significance (ClinVar Variant ID# 542492; Landrum et al., 2016)

NM_004370.6(COL12A1):c.2006C>T (p.Ala669Val)

Gene: COL12A1 (collagen type XII alpha 1 chain; minus strand). Cytogenetic location: 6q13.
Variant type: single nucleotide variant.
Coding change: c.2006C>T on transcript NM_004370.6 (MANE Select); coding-DNA position 2006, C replaced by T.
Protein change: p.Ala669Val; replaces alanine 669 with valine.
Molecular consequence: missense variant. On other transcripts: intron variant (1).
Genome position (GRCh38, 1-based): chr6:75,181,097, G>A on the plus strand (C>T on the coding strand, the complement: COL12A1 is on the minus strand). VCF-style: chr6-75181097-G-A. GRCh37 (hg19) VCF-style: chr6-75890813-G-A.
Other names: p.Ala669Val; c.73+21623C>T (NM_080645.3); short protein forms A669V.
Identifiers: ClinVar variation 542492 (VCV000542492.14), dbSNP rs201657576, ClinGen allele CA3894083.